The following is an entry in ClinVar:

ClinVar aggregate classification (germline): Pathogenic/Likely pathogenic. Review status: criteria provided, multiple submitters, no conflicts (2 of 4 stars). 23 submissions from 22 submitters: Pathogenic (12); Likely pathogenic (7). 4 of the submissions do not count toward it. Last evaluated 2026-08-01.

Conditions:
Juvenile amyotrophic lateral sclerosis (JALS). Also called: Juvenile Amyotrophic Lateral Sclerosis (JALS). Identifiers: Orphanet 300605, MedGen C3468114, MONDO:0017593.
Hereditary spastic paraplegia 11. Also called: Spastic Paraplegia 11; Spastic paraplegia, mental retardation and thin corpus callosum; Autosomal recessive hereditary spastic paraplegia, mental impairment, and thin corpus callosum; Nakamura Osame syndrome; SPASTIC PARAPLEGIA, AUTOSOMAL RECESSIVE, COMPLICATED, WITH THIN CORPUS CALLOSUM; SPASTIC PARAPLEGIA, AUTOSOMAL RECESSIVE, WITH MENTAL IMPAIRMENT AND THIN CORPUS CALLOSUM. Identifiers: Orphanet 2822, MedGen C1858479, MONDO:0011445, OMIM 604360.
Charcot-Marie-Tooth disease axonal type 2X. Also called: CHARCOT-MARIE-TOOTH DISEASE, AXONAL, AUTOSOMAL RECESSIVE, TYPE 2X; CHARCOT-MARIE-TOOTH NEUROPATHY, TYPE 2X. Identifiers: Orphanet 466775, MedGen C5569024, MONDO:0014726, OMIM 616668.
Inborn genetic diseases. Identifiers: MedGen C0950123, MeSH D030342.
SPG11-related disorder. Also called: SPG11-related condition.
Amyotrophic lateral sclerosis type 5 (ALS5). Also called: AMYOTROPHIC LATERAL SCLEROSIS 5, JUVENILE. Identifiers: Orphanet 300605, MedGen C1865864, MONDO:0011196, OMIM 602099.
Amyotrophic lateral sclerosis (ALS). Also called: Charcot disease; Lou Gehrig disease. Identifiers: Orphanet 803, MedGen C0002736, MONDO:0004976, HP:0007354.
Generalized hyperreflexia. Identifiers: MedGen C4024949, HP:0007034.
Difficulty walking. Identifiers: MedGen C0311394.
Spastic paraparesis. Identifiers: MedGen C0037771, HP:0002313.
Gait disturbance. Also called: Abnormal gait; Gait abnormality. Identifiers: MedGen C0575081, HP:0001288.
Hereditary spastic paraplegia. Also called: Familial spastic paraparesis. Identifiers: Orphanet 685, MedGen C0037773, MONDO:0019064. Disease mechanism: loss of function.

Allele frequency attached by ClinVar (database versions not stated): ExAC 0.00004; gnomAD exomes 0.00005 and 0.00006; ESP Exome Variant Server 0.00008; TOPMed 0.00008; gnomAD 0.00010 and 0.00011.
gnomAD v4.1: 97 of 1,612,628 alleles (0.006%); highest among the groups gnomAD compares: Non-Finnish European, 0.008%; no homozygotes.

Submissions 1 to 10 of 23:

CeGaT Center for Human Genetics Tuebingen
Classification: Pathogenic. Last evaluated: 2026-08-01. Review status: criteria provided, single submitter. Criteria: CeGaT Center For Human Genetics Tuebingen Variant Classification Criteria Version 2. Collection method: clinical testing. Allele origin: germline. Affected: yes. Observed: 2 variant alleles.
Comment: SPG11: PM3:Very Strong, PM2

PreventionGenetics, part of Exact Sciences
Classification: Pathogenic for SPG11-related condition. Last evaluated: 2026-01-13. Review status: criteria provided, single submitter. Criteria: ACMG Guidelines, 2015. Collection method: clinical testing. Allele origin: germline.
Comment: The SPG11 c.5381T>C variant is predicted to result in the amino acid substitution p.Leu1794Pro. This variant has been reported in both the homozygous and compound heterozygous state in multiple individuals with hereditary spastic paraplegia (Lynch et al. 2016. PubMed ID: 26374131; Krenn et al. 2019. PubMed ID: 31407473; Table S2, Zech et al. 2020. PubMed ID: 33098801; Doleckova et al. 2022. PubMed ID: 35254204; Perić et al. 2022. PubMed ID: 36139378) and in the heterozygous state in an individual with amyotrophic lateral sclerosis (ALS); however, the patient also had an intermediate expansion in C9orf72 (Krüger et al. 2016. PubMed ID: 27790088). This variant is reported in 0.012% of alleles in individuals of European (non-Finnish) descent in gnomAD, and has conflicting classifications in the ClinVar database ranging from uncertain to pathogenic. This variant is interpreted as pathogenic.

Labcorp Genetics (formerly Invitae), Labcorp
Classification: Pathogenic for Hereditary spastic paraplegia 11. Last evaluated: 2025-12-30. Review status: criteria provided, single submitter. Criteria: Invitae Variant Classification Sherloc (09022015). Collection method: clinical testing. Allele origin: germline.
Comment: This sequence change replaces leucine, which is neutral and non-polar, with proline, which is neutral and non-polar, at codon 1794 of the SPG11 protein (p.Leu1794Pro). This variant is present in population databases (rs201689565, gnomAD 0.01%). This missense change has been observed in individuals with hereditary spastic paraplegia (PMID: 26374131, 31407473; internal data). ClinVar contains an entry for this variant (Variation ID: 374112). Invitae Evidence Modeling of protein sequence and biophysical properties (such as structural, functional, and spatial information, amino acid conservation, physicochemical variation, residue mobility, and thermodynamic stability) indicates that this missense variant is expected to disrupt SPG11 protein function with a positive predictive value of 80%. For these reasons, this variant has been classified as Pathogenic.

GeneDx
Classification: Pathogenic. Last evaluated: 2025-12-06. Review status: criteria provided, single submitter. Criteria: GeneDx Variant Classification Process June 2021. Collection method: clinical testing. Allele origin: germline. Affected: yes.
Comment: Not observed at significant frequency in large population cohorts (gnomAD); In silico analysis supports that this missense variant has a deleterious effect on protein structure/function; This variant is associated with the following publications: (PMID: 40225153, 27790088, 26374131, 31407473, 34426522, 31589614, 33098801, 35254204, 35872528, 36549973, 36139378, 35906604, 34983064, 38127101, 37734845, 38499745, 39825153)

3billion
Classification: Likely pathogenic for Hereditary spastic paraplegia 11. Last evaluated: 2024-11-27. Review status: criteria provided, single submitter. Criteria: ACMG Guidelines, 2015. Collection method: clinical testing. Allele origin: germline. Affected: yes.
Comment: The variant is observed at an extremely low frequency in the gnomAD v4.1.0 dataset (total allele frequency: 0.006%). Predicted Consequence/Location: Missense variant. The majority of the known disease-causing variants of this gene are variants expected to result in premature termination of the protein. In silico tool predictions suggest damaging effect of the variant on gene or gene product [REVEL: 0.90 (>=0.6, sensitivity 0.68 and specificity 0.92); 3Cnet: 0.44 (>=0.6, sensitivity 0.72 and precision 0.9)]. The same nucleotide change resulting in the same amino acid change has been previously reported as pathogenic/likely pathogenic with strong evidence (ClinVar ID: VCV000374112 /PMID: 26374131 /3billion dataset). Therefore, this variant is classified as Likely pathogenic according to the recommendation of ACMG/AMP guideline.

Blueprint Genetics
Classification: Pathogenic for SPG11-related disorders. Last evaluated: 2024-10-23. Review status: criteria provided, single submitter. Criteria: ACMG Guidelines, 2015. Collection method: clinical testing. Allele origin: germline. Affected: yes. Observed: 5 variant alleles.

Women's Health and Genetics/Laboratory Corporation of America, LabCorp
Classification: Pathogenic for Hereditary spastic paraplegia. Last evaluated: 2024-08-13. Review status: criteria provided, single submitter. Criteria: LabCorp Variant Classification Summary - May 2015. Collection method: clinical testing. Allele origin: germline.
Comment: Variant summary: SPG11 c.5381T>C (p.Leu1794Pro) results in a non-conservative amino acid change in the encoded protein sequence. Five of five in-silico tools predict a damaging effect of the variant on protein function. The variant allele was found at a frequency of 4.8e-05 in 250508 control chromosomes. This frequency is not significantly higher than estimated for a pathogenic variant in SPG11 causing Hereditary Spastic Paraplegia, Type 11 (4.8e-05 vs 0.0011), allowing no conclusion about variant significance. c.5381T>C has been reported in the literature as a biallelic genotype in multiple individuals affected with Hereditary Spastic Paraplegia, Type 11 (e.g. Lynch_2016, Zech_2020, Krenn_2020, Peric_2022). These data indicate that the variant is very likely to be associated with disease. To our knowledge, no experimental evidence demonstrating an impact on protein function has been reported. The following publications have been ascertained in the context of this evaluation (PMID: 31407473, 26374131, 36139378, 33098801). ClinVar contains an entry for this variant (Variation ID: 374112). Based on the evidence outlined above, the variant was classified as pathogenic.

Fulgent Genetics
Classification: Pathogenic for Amyotrophic lateral sclerosis type 5; Hereditary spastic paraplegia 11; Charcot-Marie-Tooth disease axonal type 2X. Last evaluated: 2024-04-23. Review status: criteria provided, single submitter. Criteria: ACMG Guidelines, 2015. Collection method: clinical testing. Allele origin: germline.

Revvity Omics, Revvity
Classification: Likely pathogenic. Last evaluated: 2024-03-07. Review status: criteria provided, single submitter. Criteria: ACMG Guidelines, 2015. Collection method: clinical testing. Allele origin: germline.

Institute for Clinical Genetics, University Hospital TU Dresden, University Hospital TU Dresden
Classification: Likely pathogenic. Last evaluated: 2023-06-14. Review status: criteria provided, single submitter. Criteria: ACMG Guidelines, 2015. Collection method: clinical testing. Allele origin: germline.
Comment: PM3, PP4, PP3, PM2_SUP, PP1

NM_025137.4(SPG11):c.5381T>C (p.Leu1794Pro)

Gene: SPG11 (SPG11 vesicle trafficking associated, spatacsin; minus strand). Cytogenetic location: 15q21.1.
Variant type: single nucleotide variant.
Coding change: c.5381T>C on transcript NM_025137.4 (MANE Select); coding-DNA position 5381, T replaced by C.
Protein change: p.Leu1794Pro; replaces leucine 1794 with proline.
Molecular consequence: missense variant.
Genome position (GRCh38, 1-based): chr15:44,584,299, A>G on the plus strand (T>C on the coding strand, the complement: SPG11 is on the minus strand). VCF-style: chr15-44584299-A-G. GRCh37 (hg19) VCF-style: chr15-44876497-A-G.
Other names: c.5381T>C, p.Leu1794Pro (NM_001160227.2); short protein forms L1794P.
Identifiers: ClinVar variation 374112 (VCV000374112.82), dbSNP rs201689565, ClinGen allele CA7534422.